The following is an entry in ClinVar:

ClinVar aggregate classification (germline): Uncertain significance. Review status: criteria provided, multiple submitters, no conflicts (2 of 4 stars). 4 submissions from 4 submitters: Uncertain significance (3). 1 of the submissions does not count toward it. Last evaluated 2026-01-12.

Conditions:
GABRA2-related disorder. Also called: GABRA2-related condition.
Inborn genetic diseases. Identifiers: MedGen C0950123, MeSH D030342.

Allele frequency attached by ClinVar (database versions not stated): ExAC 0.00002; gnomAD exomes 0.00002; gnomAD 0.00003; TOPMed 0.00003; 1000 Genomes Project 30x 0.00031; 1000 Genomes Project 0.00040.
gnomAD v4.1: 42 of 1,614,102 alleles (0.0026%); highest among the groups gnomAD compares: African/African-American, 0.043%; no homozygotes.

Submissions (4):

Labcorp Genetics (formerly Invitae), Labcorp
Classification: Uncertain significance. Last evaluated: 2026-01-12. Review status: criteria provided, single submitter. Criteria: Invitae Variant Classification Sherloc (09022015). Collection method: clinical testing. Allele origin: germline.
Comment: This sequence change replaces asparagine, which is neutral and polar, with serine, which is neutral and polar, at codon 9 of the GABRA2 protein (p.Asn9Ser). This variant is present in population databases (rs149542311, gnomAD 0.01%). This variant has not been reported in the literature in individuals affected with GABRA2-related conditions. ClinVar contains an entry for this variant (Variation ID: 1980196). An algorithm developed to predict the effect of missense changes on protein structure and function outputs the following: PolyPhen-2: "Benign". The serine amino acid residue is found in multiple mammalian species, which suggests that this missense change does not adversely affect protein function. In summary, the available evidence is currently insufficient to determine the role of this variant in disease. Therefore, it has been classified as a Variant of Uncertain Significance.

Ambry Genetics
Classification: Uncertain significance for Inborn genetic diseases. Last evaluated: 2025-11-06. Review status: criteria provided, single submitter. Criteria: Ambry Variant Classification Scheme 2023. Collection method: clinical testing. Allele origin: germline.

CeGaT Center for Human Genetics Tuebingen
Classification: Uncertain significance. Last evaluated: 2022-10-01. Review status: criteria provided, single submitter. Criteria: CeGaT Center For Human Genetics Tuebingen Variant Classification Criteria Version 2. Collection method: clinical testing. Allele origin: germline. Affected: yes. Observed: 1 variant allele.
Comment: GABRA2: PP2, BP4

PreventionGenetics, part of Exact Sciences
Classification: Likely benign for GABRA2-related condition. Last evaluated: 2024-01-27. Review status: no assertion criteria provided. Collection method: clinical testing. Allele origin: germline. Not counted in ClinVar's aggregate classification.
Comment: This variant is classified as likely benign based on ACMG/AMP sequence variant interpretation guidelines (Richards et al. 2015 PMID: 25741868, with internal and published modifications).

NM_000807.4(GABRA2):c.26A>G (p.Asn9Ser)

Gene: GABRA2 (gamma-aminobutyric acid type A receptor subunit alpha2; minus strand). Cytogenetic location: 4p12.
Variant type: single nucleotide variant.
Coding change: c.26A>G on transcript NM_000807.4 (MANE Select); coding-DNA position 26, A replaced by G.
Protein change: p.Asn9Ser; replaces asparagine 9 with serine.
Molecular consequence: missense variant. On other transcripts: 5 prime UTR variant (4).
Genome position (GRCh38, 1-based): chr4:46,388,681, T>C on the plus strand (A>G on the coding strand, the complement: GABRA2 is on the minus strand). VCF-style: chr4-46388681-T-C. GRCh37 (hg19) VCF-style: chr4-46390698-T-C.
Other names: c.26A>G (NM_001114175.1, NM_000807.3); c.26A>G, p.Asn9Ser (NM_001114175.3, NM_001330690.2, NM_001377144.1 and 8 more transcripts); c.-72A>G (NM_001286827.3, NM_001377152.1, NM_001377153.1 and 1 more transcripts); short protein forms N9S.
Identifiers: ClinVar variation 1980196 (VCV001980196.29), dbSNP rs149542311, ClinGen allele CA2906815.